The following is an entry in ClinVar:

NM_032043.3(BRIP1):c.2348G>A (p.Gly783Glu)

Gene: BRIP1 (BRCA1 interacting DNA helicase 1; minus strand). Cytogenetic location: 17q23.2.
Variant type: single nucleotide variant.
Coding change: c.2348G>A on transcript NM_032043.3 (MANE Select); coding-DNA position 2348, G replaced by A.
Protein change: p.Gly783Glu; replaces glycine 783 with glutamic acid.
Molecular consequence: missense variant.
Genome position (GRCh38, 1-based): chr17:61,743,044, C>T on the plus strand (G>A on the coding strand, the complement: BRIP1 is on the minus strand). VCF-style: chr17-61743044-C-T. GRCh37 (hg19) VCF-style: chr17-59820405-C-T.
Other names: short protein forms G783E.
Identifiers: ClinVar variation 948810 (VCV000948810.13), dbSNP rs2077006387, ClinGen allele CA400482585.

ClinVar aggregate classification (germline): Uncertain significance. Review status: criteria provided, multiple submitters, no conflicts (2 of 4 stars). 3 submissions from 3 submitters: Uncertain significance (3). Last evaluated 2025-12-09.

Conditions:
Hereditary cancer-predisposing syndrome. Also called: Neoplastic Syndromes, Hereditary; Hereditary neoplastic syndrome; Hereditary Cancer Syndrome; Tumor predisposition. Identifiers: Orphanet 140162, MedGen C0027672, MeSH D009386, MONDO:0015356.
Familial cancer of breast. Also called: BREAST CANCER, FAMILIAL; Hereditary breast cancer; hereditary breast carcinoma. Identifiers: Orphanet 227535, MedGen C0346153, MONDO:0016419, OMIM 114480. Disease mechanism: loss of function.
Fanconi anemia complementation group J. Also called: BRIP1-Related Fanconi Anemia. Identifiers: Orphanet 84, MedGen C1836860, MONDO:0012187, OMIM 609054.

Submissions (3):

Labcorp Genetics (formerly Invitae), Labcorp
Classification: Uncertain significance for Familial cancer of breast; Fanconi anemia complementation group J. Last evaluated: 2025-12-09. Review status: criteria provided, single submitter. Criteria: Invitae Variant Classification Sherloc (09022015). Collection method: clinical testing. Allele origin: germline.
Comment: This sequence change replaces glycine, which is neutral and non-polar, with glutamic acid, which is acidic and polar, at codon 783 of the BRIP1 protein (p.Gly783Glu). This variant is not present in population databases (gnomAD no frequency). This variant has not been reported in the literature in individuals affected with BRIP1-related conditions. ClinVar contains an entry for this variant (Variation ID: 948810). Invitae Evidence Modeling of protein sequence and biophysical properties (such as structural, functional, and spatial information, amino acid conservation, physicochemical variation, residue mobility, and thermodynamic stability) indicates that this missense variant is expected to disrupt BRIP1 protein function with a positive predictive value of 95%. In summary, the available evidence is currently insufficient to determine the role of this variant in disease. Therefore, it has been classified as a Variant of Uncertain Significance.

Ambry Genetics
Classification: Uncertain significance for Hereditary cancer-predisposing syndrome. Last evaluated: 2024-01-30. Review status: criteria provided, single submitter. Criteria: Ambry Variant Classification Scheme 2023. Collection method: clinical testing. Allele origin: germline.
Comment: The p.G783E variant (also known as c.2348G>A), located in coding exon 15 of the BRIP1 gene, results from a G to A substitution at nucleotide position 2348. The glycine at codon 783 is replaced by glutamic acid, an amino acid with similar properties. This amino acid position is highly conserved in available vertebrate species. In addition, this alteration is predicted to be deleterious by in silico analysis. Based on the available evidence, the clinical significance of this alteration remains unclear.

GeneDx
Classification: Uncertain significance. Last evaluated: 2020-02-28. Review status: criteria provided, single submitter. Criteria: GeneDx Variant Classification Process June 2021. Collection method: clinical testing. Allele origin: germline. Affected: yes.
Comment: Not observed in large population cohorts (Lek 2016); In silico analysis supports that this missense variant has a deleterious effect on protein structure/function; Has not been previously published as pathogenic or benign to our knowledge